The following is an entry in ClinVar:

NM_000391.4(TPP1):c.164A>G (p.Gln55Arg)

Gene: TPP1 (tripeptidyl peptidase 1; minus strand). Cytogenetic location: 11p15.4.
Variant type: single nucleotide variant.
Coding change: c.164A>G on transcript NM_000391.4 (MANE Select); coding-DNA position 164, A replaced by G.
Protein change: p.Gln55Arg; replaces glutamine 55 with arginine.
Molecular consequence: missense variant.
Genome position (GRCh38, 1-based): chr11:6,618,841, T>C on the plus strand (A>G on the coding strand, the complement: TPP1 is on the minus strand). VCF-style: chr11-6618841-T-C. GRCh37 (hg19) VCF-style: chr11-6640072-T-C.
Other names: short protein forms Q55R.
Identifiers: ClinVar variation 3242108 (VCV003242108.1), dbSNP rs2493802025.

ClinVar aggregate classification (germline): Uncertain significance (1 of 4 stars; one submission).

Conditions:
Neuronal ceroid lipofuscinosis 2. Also called: TPP1-Related Neuronal Ceroid-Lipofuscinosis; JANSKY-BIELSCHOWSKY DISEASE NEURONAL CEROID LIPOFUSCINOSIS, LATE INFANTILE. Identifiers: Orphanet 168491, Orphanet 228349, Orphanet 79264, MedGen C1876161, MONDO:0008769, OMIM 204500.

Submission:

Neuberg Centre For Genomic Medicine, NCGM
Classification: Uncertain significance for Neuronal ceroid lipofuscinosis 2. Review status: criteria provided, single submitter. Criteria: ACMG Guidelines, 2015. Collection method: clinical testing. Allele origin: germline. Inheritance: Autosomal recessive inheritance. Affected: yes.
Comment: The observed missense c.164A>G(p.Gln55Arg) variant in TPP1 gene has not been reported previously as a pathogenic variant nor a benign variant, to our knowledge. The p.Gln55Arg variant is absent in gnomAD Exomes. This variant has not been submitted to the ClinVar database. The amino acid change p.Gln55Arg in TPP1 is predicted as conserved by GERP++ and PhyloP across 100 vertebrates. The amino acid Gln at position 55 is changed to a Arg changing protein sequence and it might alter its composition and physico-chemical properties. Multiple lines of computational evidence (Polyphen - Damaging, SIFT - Damaging and MutationTaster - Disease causing) predict a damaging effect on protein structure and function for this variant. For these reasons, this variant has been classified as a Variant of Uncertain Significance (VUS).